The following is an entry in ClinVar:

ClinVar aggregate classification (germline): Likely benign. Review status: criteria provided, multiple submitters, no conflicts (2 of 4 stars). 2 submissions from 2 submitters: Likely benign (2). Last evaluated 2017-04-27.

Conditions:
Exudative vitreoretinopathy 1 (EVR1). Also called: CRISWICK-SCHEPENS SYNDROME; FEVR, AUTOSOMAL DOMINANT; Familial exudative vitreoretinopathy, autosomal dominant. Identifiers: Orphanet 891, Orphanet 90050, MedGen C1851402, MONDO:0007589, OMIM 133780.

Allele frequency attached by ClinVar (database versions not stated): gnomAD 0.00066 and 0.00084; TOPMed 0.00115; 1000 Genomes Project 30x 0.00359; 1000 Genomes Project 0.00399.

Submissions (2):

Illumina Laboratory Services, Illumina
Classification: Likely benign for Exudative vitreoretinopathy 1. Last evaluated: 2017-04-27. Review status: criteria provided, single submitter. Criteria: ICSL Variant Classification Criteria 13 December 2019. Collection method: clinical testing. Allele origin: germline.
Comment: This variant was observed as part of a predisposition screen in an ostensibly healthy population. A literature search was performed for the gene, cDNA change, and amino acid change (where applicable). No publications were found based on this search. Allele frequency data from public databases allowed determination this variant is unlikely to cause disease. Therefore, this variant is classified as likely benign.

Breakthrough Genomics
Classification: Likely benign. Review status: criteria provided, single submitter. Criteria: ACMG Guidelines, 2015. Collection method: not provided. Allele origin: germline. Inheritance: Autosomal dominant inheritance. Affected: yes.

NM_012193.4(FZD4):c.*2302A>G

Genes: FZD4 (frizzled class receptor 4; minus strand), PRSS23 (serine protease 23; plus strand). Cytogenetic location: 11q14.2.
Variant type: single nucleotide variant.
Coding change: c.*2302A>G on transcript NM_012193.4 (MANE Select); 2302 bases downstream of the stop codon, A replaced by G.
Molecular consequence: 3 prime UTR variant.
Genome position (GRCh38, 1-based): chr11:86,948,840, T>C on the plus strand (A>G on the coding strand, the complement: FZD4 is on the minus strand). VCF-style: chr11-86948840-T-C. GRCh37 (hg19) VCF-style: chr11-86659882-T-C.
Identifiers: ClinVar variation 306377 (VCV000306377.6), dbSNP rs142087983, ClinGen allele CA10635815.